The following is an entry in ClinVar:

NM_000138.5(FBN1):c.7021A>T (p.Thr2341Ser)

Gene: FBN1 (fibrillin 1; minus strand). Cytogenetic location: 15q21.1.
Variant type: single nucleotide variant.
Coding change: c.7021A>T on transcript NM_000138.5 (MANE Select); coding-DNA position 7021, A replaced by T.
Protein change: p.Thr2341Ser; replaces threonine 2341 with serine.
Molecular consequence: missense variant.
Genome position (GRCh38, 1-based): chr15:48,427,750, T>A on the plus strand (A>T on the coding strand, the complement: FBN1 is on the minus strand). VCF-style: chr15-48427750-T-A. GRCh37 (hg19) VCF-style: chr15-48719947-T-A.
Other names: c.7021A>T, p.Thr2341Ser (NM_001406716.1); short protein forms T2341S.
Identifiers: ClinVar variation 4757280 (VCV004757280.1).

ClinVar aggregate classification (germline): Uncertain significance (1 of 4 stars; one submission).

Conditions:
Familial thoracic aortic aneurysm and aortic dissection (TAAD). Also called: Thoracic aortic aneurysms and dissections. Identifiers: Orphanet 91387, MedGen C4707243, MONDO:0019625.

gnomAD v4.1: 1 of 1,614,006 alleles (0.000062%); highest among the groups gnomAD compares: Non-Finnish European, 0.000085%; no homozygotes.

Submission:

Color Diagnostics, LLC DBA Color Health
Classification: Uncertain significance for Familial thoracic aortic aneurysm and aortic dissection. Last evaluated: 2025-06-09. Review status: criteria provided, single submitter. Criteria: ACMG Guidelines, 2015. Collection method: clinical testing. Allele origin: germline.
Comment: This missense variant replaces threonine with serine at codon 2341 of the FBN1 protein. Computational prediction suggests that this variant may not impact protein structure and function. To our knowledge, functional studies have not been reported for this variant. This variant has not been reported in individuals affected with FBN1-related disorders in the literature. This variant has not been identified in the general population by the Genome Aggregation Database (gnomAD). The available evidence is insufficient to determine the role of this variant in disease conclusively. Therefore, this variant is classified as a Variant of Uncertain Significance.